The following is an entry in ClinVar:

NC_000009.12:g.113275652A>G

Gene: PRPF4 (pre-mRNA splicing tri-snRNP complex factor PRPF4; plus strand). Cytogenetic location: 9q32.
Variant type: single nucleotide variant.
Genome position: GRCh38 VCF-style: chr9-113275652-A-G. GRCh37 (hg19) VCF-style: chr9-116037932-A-G.
Identifiers: ClinVar variation 999774 (VCV000999774.8), dbSNP rs375348528, ClinGen allele CA198540115.

ClinVar aggregate classification (germline): Likely benign. Review status: criteria provided, single submitter (1 of 4 stars). 2 submissions from 2 submitters: Likely benign (1). 1 of the submissions does not count toward it. Last evaluated 2026-01-18.

Conditions:
PRPF4-related disorder. Also called: PRPF4-related condition.

Allele frequency attached by ClinVar (database versions not stated): TOPMed 0.00034; gnomAD 0.00026 and 0.00027; 1000 Genomes Project 30x 0.00047; gnomAD exomes 0.00008; 1000 Genomes Project 0.00060.

Submissions (2):

Labcorp Genetics (formerly Invitae), Labcorp
Classification: Likely benign. Last evaluated: 2026-01-18. Review status: criteria provided, single submitter. Criteria: Invitae Variant Classification Sherloc (09022015). Collection method: clinical testing. Allele origin: germline.

PreventionGenetics, part of Exact Sciences
Classification: Likely benign for PRPF4-related condition. Last evaluated: 2020-07-29. Review status: no assertion criteria provided. Collection method: clinical testing. Allele origin: germline. Not counted in ClinVar's aggregate classification.
Comment: This variant is classified as likely benign based on ACMG/AMP sequence variant interpretation guidelines (Richards et al. 2015 PMID: 25741868, with internal and published modifications).